The following is an entry in ClinVar:

NM_031466.8(TRAPPC9):c.-196G>A

Gene: TRAPPC9 (trafficking protein particle complex subunit 9; minus strand). Cytogenetic location: 8q24.3.
Variant type: single nucleotide variant.
Coding change: c.-196G>A on transcript NM_031466.8; 196 bases upstream of the start codon, G replaced by A.
Molecular consequence: 5 prime UTR variant.
Genome position (GRCh38, 1-based): chr8:140,458,466, C>T on the plus strand (G>A on the coding strand, the complement: TRAPPC9 is on the minus strand). VCF-style: chr8-140458466-C-T. GRCh37 (hg19) VCF-style: chr8-141468565-C-T.
Identifiers: ClinVar variation 4798743 (VCV004798743.1).

ClinVar aggregate classification (germline): Pathogenic (1 of 4 stars; one submission).

gnomAD v4.1: 2 of 1,572,898 alleles (0.00013%); highest among the groups gnomAD compares: Non-Finnish European, 0.00017%; no homozygotes.

Submission:

Labcorp Genetics (formerly Invitae), Labcorp
Classification: Pathogenic. Last evaluated: 2025-11-03. Review status: criteria provided, single submitter. Criteria: Invitae Variant Classification Sherloc (09022015). Collection method: clinical testing. Allele origin: germline.
Comment: This sequence change creates a premature translational stop signal (p.Trp33*) in the TRAPPC9 gene. It is expected to result in an absent or disrupted protein product. Loss-of-function variants in TRAPPC9 are known to be pathogenic (PMID: 2000476, 20004763, 20004764). This variant is not present in population databases (gnomAD no frequency). This variant has not been reported in the literature in individuals affected with TRAPPC9-related conditions. For these reasons, this variant has been classified as Pathogenic.

Literature cited by the submitters: PubMed 2000476; PubMed 20004763; PubMed 20004764.